The following is an entry in ClinVar:

ClinVar aggregate classification (germline): Uncertain significance (1 of 4 stars; one submission).

Conditions:
Familial thoracic aortic aneurysm and aortic dissection (TAAD). Also called: Thoracic aortic aneurysms and dissections. Identifiers: Orphanet 91387, MedGen C4707243, MONDO:0019625.

gnomAD v4.1: 1 of 1,613,830 alleles (0.000062%); highest among the groups gnomAD compares: South Asian, 0.0011%; no homozygotes.

Submission:

Ambry Genetics
Classification: Uncertain significance for Familial thoracic aortic aneurysm and aortic dissection. Last evaluated: 2026-07-01. Review status: criteria provided, single submitter. Criteria: Ambry Variant Classification Scheme 2023. Collection method: clinical testing. Allele origin: germline.
Comment: The p.D6N variant (also known as c.16G>A), located in coding exon 1 of the ACTA2 gene, results from a G to A substitution at nucleotide position 16. The aspartic acid at codon 6 is replaced by asparagine, an amino acid with highly similar properties. This amino acid position is conserved. In addition, the in silico prediction for this alteration is inconclusive. Based on the available evidence, the clinical significance of this variant remains unclear.

NM_001613.4(ACTA2):c.16G>A (p.Asp6Asn)

Gene: ACTA2 (actin alpha 2, smooth muscle; minus strand). Cytogenetic location: 10q23.31.
Variant type: single nucleotide variant.
Coding change: c.16G>A on transcript NM_001613.4 (MANE Select); coding-DNA position 16, G replaced by A.
Protein change: p.Asp6Asn; replaces aspartic acid 6 with asparagine.
Molecular consequence: missense variant.
Genome position (GRCh38, 1-based): chr10:88,948,915, C>T on the plus strand (G>A on the coding strand, the complement: ACTA2 is on the minus strand). VCF-style: chr10-88948915-C-T. GRCh37 (hg19) VCF-style: chr10-90708672-C-T.
Other names: c.16G>A, p.Asp6Asn (NM_001141945.3, NM_001320855.2, NM_001406462.1 and 7 more transcripts); short protein forms D6N.
Identifiers: ClinVar variation 5031695 (VCV005031695.1).